The following is an entry in ClinVar:

ClinVar aggregate classification (germline): Uncertain significance. Review status: criteria provided, multiple submitters, no conflicts (2 of 4 stars). 2 submissions from 2 submitters: Uncertain significance (2). Last evaluated 2025-11-03.

Conditions:
LRP5-related disorder. Also called: LRP5-related condition.

Allele frequency attached by ClinVar (database versions not stated): TOPMed below 0.00001; ExAC 0.00001; gnomAD 0.00001; gnomAD exomes 0.00001.
gnomAD v4.1: 17 of 1,612,142 alleles (0.0011%); highest among the groups gnomAD compares: East Asian, 0.0022%; no homozygotes.

Submissions (2):

Labcorp Genetics (formerly Invitae), Labcorp
Classification: Uncertain significance. Last evaluated: 2025-11-03. Review status: criteria provided, single submitter. Criteria: Invitae Variant Classification Sherloc (09022015). Collection method: clinical testing. Allele origin: germline.
Comment: This sequence change replaces glutamic acid, which is acidic and polar, with lysine, which is basic and polar, at codon 779 of the LRP5 protein (p.Glu779Lys). This variant is present in population databases (rs764526918, gnomAD 0.0009%). This variant has not been reported in the literature in individuals affected with LRP5-related conditions. ClinVar contains an entry for this variant (Variation ID: 3045062). Invitae Evidence Modeling of protein sequence and biophysical properties (such as structural, functional, and spatial information, amino acid conservation, physicochemical variation, residue mobility, and thermodynamic stability) has been performed for this missense variant. However, the output from this modeling did not meet the statistical confidence thresholds required to predict the impact of this variant on LRP5 protein function. In summary, the available evidence is currently insufficient to determine the role of this variant in disease. Therefore, it has been classified as a Variant of Uncertain Significance.

PreventionGenetics, part of Exact Sciences
Classification: Uncertain significance for LRP5-related condition. Last evaluated: 2025-04-19. Review status: criteria provided, single submitter. Criteria: ACMG Guidelines, 2015. Collection method: clinical testing. Allele origin: germline.
Comment: The LRP5 c.2335G>A variant is predicted to result in the amino acid substitution p.Glu779Lys. This variant is reported in 0.00088% of alleles in individuals of European (Non-Finnish) descent in gnomAD. At this time, the clinical significance of this variant is uncertain due to the absence of conclusive functional and genetic evidence.

NM_002335.4(LRP5):c.2335G>A (p.Glu779Lys)

Gene: LRP5 (LDL receptor related protein 5; plus strand). Cytogenetic location: 11q13.2.
Variant type: single nucleotide variant.
Coding change: c.2335G>A on transcript NM_002335.4 (MANE Select); coding-DNA position 2335, G replaced by A.
Protein change: p.Glu779Lys; replaces glutamic acid 779 with lysine.
Molecular consequence: missense variant.
Genome position (GRCh38, 1-based): chr11:68,411,452, G>A. VCF-style: chr11-68411452-G-A. GRCh37 (hg19) VCF-style: chr11-68178920-G-A.
Other names: c.592G>A, p.Glu198Lys (NM_001291902.2); short protein forms E198K, E779K.
Identifiers: ClinVar variation 3045062 (VCV003045062.4), dbSNP rs764526918, ClinGen allele CA6149606.